The following is an entry in ClinVar:

NM_013432.5(TONSL):c.692G>A (p.Cys231Tyr)

Gene: TONSL (tonsoku like, DNA repair protein; minus strand). Cytogenetic location: 8q24.3.
Variant type: single nucleotide variant.
Coding change: c.692G>A on transcript NM_013432.5 (MANE Select); coding-DNA position 692, G replaced by A.
Protein change: p.Cys231Tyr; replaces cysteine 231 with tyrosine.
Molecular consequence: missense variant.
Genome position (GRCh38, 1-based): chr8:144,442,299, C>T on the plus strand (G>A on the coding strand, the complement: TONSL is on the minus strand). VCF-style: chr8-144442299-C-T. GRCh37 (hg19) VCF-style: chr8-145667682-C-T.
Other names: short protein forms C231Y.
Identifiers: ClinVar variation 1496696 (VCV001496696.4), dbSNP rs370598002, ClinGen allele CA4943548.

ClinVar aggregate classification (germline): Uncertain significance (1 of 4 stars; one submission).

Allele frequency attached by ClinVar (database versions not stated): TOPMed below 0.00001; gnomAD exomes 0.00001; ExAC 0.00003; ESP Exome Variant Server 0.00008.

Submission:

Labcorp Genetics (formerly Invitae), Labcorp
Classification: Uncertain significance. Last evaluated: 2022-12-02. Review status: criteria provided, single submitter. Criteria: Invitae Variant Classification Sherloc (09022015). Collection method: clinical testing. Allele origin: germline.
Comment: ClinVar contains an entry for this variant (Variation ID: 1496696). This variant has not been reported in the literature in individuals affected with TONSL-related conditions. This variant is present in population databases (rs370598002, gnomAD 0.007%). This sequence change replaces cysteine, which is neutral and slightly polar, with tyrosine, which is neutral and polar, at codon 231 of the TONSL protein (p.Cys231Tyr). Advanced modeling of protein sequence and biophysical properties (such as structural, functional, and spatial information, amino acid conservation, physicochemical variation, residue mobility, and thermodynamic stability) performed at Invitae indicates that this missense variant is expected to disrupt TONSL protein function. In summary, the available evidence is currently insufficient to determine the role of this variant in disease. Therefore, it has been classified as a Variant of Uncertain Significance.